The following is an entry in ClinVar:

ClinVar aggregate classification (germline): Likely benign (1 of 4 stars; one submission).

Submission:

Center for Genomic Medicine, Rigshospitalet, Copenhagen University Hospital
Classification: Likely benign. Last evaluated: 2025-12-29. Review status: criteria provided, single submitter. Criteria: ACMG Guidelines, 2015. Collection method: clinical testing. Allele origin: germline.
Comment: Classification criteria: PM2_supporting, BP4, BP7_supporting

NM_000051.4(ATM):c.8269-44dup

Genes: ATM (ATM serine/threonine kinase; plus strand), C11orf65 (chromosome 11 open reading frame 65; minus strand). Cytogenetic location: 11q22.3.
Variant type: Duplication.
Coding change: c.8269-44dup on transcript NM_000051.4 (MANE Select); 44 bases into the intron before coding-DNA position 8269, one base duplicated (T; older notation c.8269-44dupT).
Molecular consequence: intron variant.
Genome position (GRCh38, 1-based): chr11:108,343,178, T duplicated; the last of 3 consecutive T bases (chr11:108,343,176-108,343,178); duplicating any one gives the same sequence. VCF-style (leftmost placement, unchanged base first): chr11-108343175-C-CT. GRCh37 (hg19) VCF-style: chr11-108213902-C-CT.
Other names: c.8269-44dupT (NM_000051.4); c.8269-44dup (NM_001351834.2); c.641-34105dup (NM_001330368.2); c.695-7884dup (NM_001351110.2).
Identifiers: ClinVar variation 4539066 (VCV004539066.1).